The following is an entry in ClinVar:

ClinVar aggregate classification (germline): Uncertain significance (1 of 4 stars; one submission).

Submission:

Labcorp Genetics (formerly Invitae), Labcorp
Classification: Uncertain significance. Last evaluated: 2024-05-06. Review status: criteria provided, single submitter. Criteria: Invitae Variant Classification Sherloc (09022015). Collection method: clinical testing. Allele origin: germline.
Comment: This sequence change replaces serine, which is neutral and polar, with arginine, which is basic and polar, at codon 315 of the EFTUD2 protein (p.Ser315Arg). This variant is not present in population databases (gnomAD no frequency). This variant has not been reported in the literature in individuals affected with EFTUD2-related conditions. Advanced modeling of protein sequence and biophysical properties (such as structural, functional, and spatial information, amino acid conservation, physicochemical variation, residue mobility, and thermodynamic stability) performed at Invitae indicates that this missense variant is not expected to disrupt EFTUD2 protein function with a negative predictive value of 80%. In summary, the available evidence is currently insufficient to determine the role of this variant in disease. Therefore, it has been classified as a Variant of Uncertain Significance.

NM_004247.4(EFTUD2):c.943A>C (p.Ser315Arg)

Gene: EFTUD2 (elongation factor Tu GTP binding domain containing 2; minus strand). Cytogenetic location: 17q21.31.
Variant type: single nucleotide variant.
Coding change: c.943A>C on transcript NM_004247.4 (MANE Select); coding-DNA position 943, A replaced by C.
Protein change: p.Ser315Arg; replaces serine 315 with arginine.
Molecular consequence: missense variant.
Genome position (GRCh38, 1-based): chr17:44,872,497, T>G on the plus strand (A>C on the coding strand, the complement: EFTUD2 is on the minus strand). VCF-style: chr17-44872497-T-G. GRCh37 (hg19) VCF-style: chr17-42949865-T-G.
Other names: c.838A>C, p.Ser280Arg (NM_001142605.2); c.943A>C, p.Ser315Arg (NM_001258353.2); c.913A>C, p.Ser305Arg (NM_001258354.2); short protein forms S305R, S280R, S315R.
Identifiers: ClinVar variation 2863198 (VCV002863198.3), dbSNP rs2508796918, ClinGen allele CA399818125.